The following is an entry in ClinVar:

NM_000489.6(ATRX):c.4024C>T (p.Arg1342Trp)

Gene: ATRX (ATRX chromatin remodeler; minus strand). Cytogenetic location: Xq21.1.
Variant type: single nucleotide variant.
Coding change: c.4024C>T on transcript NM_000489.6 (MANE Select); coding-DNA position 4024, C replaced by T.
Protein change: p.Arg1342Trp; replaces arginine 1342 with tryptophan.
Molecular consequence: missense variant.
Genome position (GRCh38, 1-based): chrX:77,663,478, G>A on the plus strand (C>T on the coding strand, the complement: ATRX is on the minus strand). VCF-style: chrX-77663478-G-A. GRCh37 (hg19) VCF-style: chrX-76918967-G-A.
Other names: c.3910C>T, p.Arg1304Trp (NM_138270.5); c.4024C>T (NM_000489.3); short protein forms R1304W, R1342W.
Identifiers: ClinVar variation 2195844 (VCV002195844.3), dbSNP rs781810958, ClinGen allele CA10457857.
Genomic context (GRCh38, chrX:77,663,478, plus strand): 5'-CTTTAGGCTTTGTCTTTTTTTCTTCTCCAGATTCTCCGTCACTCACAGTCAATTTGTGCC[G>A]CAAAAGCCTATGTCTGTATCTTGGCTTCTTAGATTCTTCAGAATCTGAATCTGATTCAGA-3'
Protein context (NP_000480.3, residues 1332-1352): KKPRYRHRLL[Arg1342Trp]HKLTVSDGES

ClinVar aggregate classification (germline): Uncertain significance. Review status: criteria provided, multiple submitters, no conflicts (2 of 4 stars). 3 submissions from 3 submitters: Uncertain significance (3). Last evaluated 2025-01-28.

Conditions:
Alpha thalassemia-X-linked intellectual disability syndrome (ATRX). Also called: ALPHA-THALASSEMIA/MENTAL RETARDATION SYNDROME, X-LINKED; ATR, NONDELETION TYPE; ATR-X syndrome; Alpha thalassemia mental retardation syndrome, nondeletion type, X-linked; XLMR hypotonic face syndrome; X-linked alpha-thalassemia-mental retardation syndrome. Identifiers: Orphanet 847, MedGen C1845055, MONDO:0010519, OMIM 301040.

Allele frequency attached by ClinVar (database versions not stated): TOPMed below 0.00001; ExAC 0.00001.
gnomAD v4.1: 16 of 1,209,820 alleles (0.0013%); highest among the groups gnomAD compares: South Asian, 0.011%; no homozygotes.

Submissions (3):

GeneDx
Classification: Uncertain significance. Last evaluated: 2025-01-28. Review status: criteria provided, single submitter. Criteria: GeneDx Variant Classification Process June 2021. Collection method: clinical testing. Allele origin: germline. Affected: yes.
Comment: Not observed at significant frequency in large population cohorts (gnomAD); In silico analysis supports that this missense variant has a deleterious effect on protein structure/function; Has not been previously published as pathogenic or benign to our knowledge

Blueprint Genetics
Classification: Uncertain significance. Last evaluated: 2023-05-04. Review status: criteria provided, single submitter. Criteria: ACMG Guidelines, 2015. Collection method: clinical testing. Allele origin: germline.

Labcorp Genetics (formerly Invitae), Labcorp
Classification: Uncertain significance for Alpha thalassemia-X-linked intellectual disability syndrome. Last evaluated: 2022-03-18. Review status: criteria provided, single submitter. Criteria: Invitae Variant Classification Sherloc (09022015). Collection method: clinical testing. Allele origin: germline.
Comment: This sequence change replaces arginine, which is basic and polar, with tryptophan, which is neutral and slightly polar, at codon 1342 of the ATRX protein (p.Arg1342Trp). The frequency data for this variant in the population databases is considered unreliable, as metrics indicate poor data quality at this position in the gnomAD database. This variant has not been reported in the literature in individuals affected with ATRX-related conditions. Advanced modeling of protein sequence and biophysical properties (such as structural, functional, and spatial information, amino acid conservation, physicochemical variation, residue mobility, and thermodynamic stability) performed at Invitae indicates that this missense variant is expected to disrupt ATRX protein function. In summary, the available evidence is currently insufficient to determine the role of this variant in disease. Therefore, it has been classified as a Variant of Uncertain Significance.